The following is an entry in ClinVar:

ClinVar aggregate classification (germline): Uncertain significance. Review status: criteria provided, multiple submitters, no conflicts (2 of 4 stars). 2 submissions from 2 submitters: Uncertain significance (2). Last evaluated 2025-11-20.

Allele frequency attached by ClinVar (database versions not stated): TOPMed 0.00001; gnomAD 0.00002; ExAC 0.00004.

Submissions (2):

Ambry Genetics
Classification: Uncertain significance. Last evaluated: 2025-11-20. Review status: criteria provided, single submitter. Criteria: Ambry Variant Classification Scheme 2023. Collection method: clinical testing. Allele origin: germline.

Labcorp Genetics (formerly Invitae), Labcorp
Classification: Uncertain significance. Last evaluated: 2023-03-08. Review status: criteria provided, single submitter. Criteria: Invitae Variant Classification Sherloc (09022015). Collection method: clinical testing. Allele origin: germline.
Comment: This sequence change replaces leucine, which is neutral and non-polar, with proline, which is neutral and non-polar, at codon 141 of the GYG2 protein (p.Leu141Pro). This variant is present in population databases (rs774914616, gnomAD 0.004%). This variant has not been reported in the literature in individuals affected with GYG2-related conditions. An algorithm developed to predict the effect of missense changes on protein structure and function (PolyPhen-2) suggests that this variant is likely to be disruptive. In summary, the available evidence is currently insufficient to determine the role of this variant in disease. Therefore, it has been classified as a Variant of Uncertain Significance.

NM_001079855.2(GYG2):c.329T>C (p.Leu110Pro)

Gene: GYG2 (glycogenin 2; plus strand). Cytogenetic location: Xp22.33.
Variant type: single nucleotide variant.
Coding change: c.329T>C on transcript NM_001079855.2 (MANE Select); coding-DNA position 329, T replaced by C.
Protein change: p.Leu110Pro; replaces leucine 110 with proline.
Molecular consequence: missense variant. On other transcripts: 5 prime UTR variant (1).
Genome position (GRCh38, 1-based): chrX:2,854,997, T>C. VCF-style: chrX-2854997-T-C. GRCh37 (hg19) VCF-style: chrX-2773038-T-C.
Other names: c.422T>C (NM_003918.2); c.329T>C, p.Leu110Pro (NM_001184702.2); c.422T>C, p.Leu141Pro (NM_001184703.2, NM_003918.3); c.-137T>C (NM_001184704.2); short protein forms L110P, L141P.
Identifiers: ClinVar variation 2891316 (VCV002891316.4), dbSNP rs774914616, ClinGen allele CA10337057.